The following is an entry in ClinVar:

ClinVar aggregate classification (germline): Uncertain significance. Review status: criteria provided, multiple submitters, no conflicts (2 of 4 stars). 2 submissions from 2 submitters: Uncertain significance (2). Last evaluated 2021-10-27.

Conditions:
Glycine encephalopathy. Also called: Non-ketotic hyperglycinemia; Nonketotic hyperglycinemia. Identifiers: Orphanet 407, MedGen C0751748, MONDO:0011612, HP:0008288.

Submissions (2):

Labcorp Genetics (formerly Invitae), Labcorp
Classification: Uncertain significance for Glycine encephalopathy. Last evaluated: 2021-10-27. Review status: criteria provided, single submitter. Criteria: Invitae Variant Classification Sherloc (09022015). Collection method: clinical testing. Allele origin: germline.
Comment: In summary, the available evidence is currently insufficient to determine the role of this variant in disease. Therefore, it has been classified as a Variant of Uncertain Significance. This sequence change replaces aspartic acid, a(n) acidic and polar amino acid, with glycine, a(n) neutral and non-polar amino acid, at codon 465 of the GLDC protein (p.Asp465Gly). This variant is not present in population databases (gnomAD no frequency). This variant has not been reported in the literature in individuals affected with GLDC-related conditions. Algorithms developed to predict the effect of missense changes on protein structure and function are either unavailable or do not agree on the potential impact of this missense change (SIFT: "Deleterious"; PolyPhen-2: "Benign"; Align-GVGD: "Class C0").

GeneDx
Classification: Uncertain significance. Last evaluated: 2019-12-05. Review status: criteria provided, single submitter. Criteria: GeneDx Variant Classification Process June 2021. Collection method: clinical testing. Allele origin: germline. Affected: yes.
Comment: Not observed in large population cohorts (Lek et al., 2016); In silico analysis, which includes protein predictors and evolutionary conservation, supports a deleterious effect; Has not been previously published as pathogenic or benign to our knowledge

NM_000170.3(GLDC):c.1394A>G (p.Asp465Gly)

Gene: GLDC (glycine decarboxylase; minus strand). Cytogenetic location: 9p24.1.
Variant type: single nucleotide variant.
Coding change: c.1394A>G on transcript NM_000170.3 (MANE Select); coding-DNA position 1394, A replaced by G.
Protein change: p.Asp465Gly; replaces aspartic acid 465 with glycine.
Molecular consequence: missense variant.
Genome position (GRCh38, 1-based): chr9:6,592,858, T>C on the plus strand (A>G on the coding strand, the complement: GLDC is on the minus strand). VCF-style: chr9-6592858-T-C. GRCh37 (hg19) VCF-style: chr9-6592858-T-C.
Other names: short protein forms D465G.
Identifiers: ClinVar variation 1310725 (VCV001310725.7), dbSNP rs2129852952, ClinGen allele CA372893906.